The following is an entry in ClinVar:

ClinVar aggregate classification (germline): Benign/Likely benign. Review status: criteria provided, multiple submitters, no conflicts (2 of 4 stars). 5 submissions from 5 submitters: Benign (3); Likely benign (2). Last evaluated 2026-06-03.

Conditions:
Congenital afibrinogenemia. Identifiers: Orphanet 335, Orphanet 98880, MedGen C2584774, MONDO:0008737, OMIM 202400.

Allele frequency attached by ClinVar (database versions not stated): 1000 Genomes Project 0.00180; 1000 Genomes Project 30x 0.00219; ExAC 0.00294; gnomAD exomes 0.00311 and 0.00522; TOPMed 0.00342; gnomAD 0.00344 and 0.00345; ESP Exome Variant Server 0.00377.
gnomAD v4.1: 8,097 of 1,613,796 alleles (0.5%); highest among the groups gnomAD compares: Non-Finnish European, 0.62%; 29 homozygotes.

Submissions (5):

Women's Health and Genetics/Laboratory Corporation of America, LabCorp
Classification: Benign. Last evaluated: 2026-06-03. Review status: criteria provided, single submitter. Criteria: LabCorp Variant Classification Summary - May 2015. Collection method: clinical testing. Allele origin: germline.
Comment: Variant summary: FGG c.78+9G>A alters a non-conserved nucleotide located at a position not widely known to affect splicing. Consensus agreement among computation tools predict no significant impact on normal splicing. However, these predictions have yet to be confirmed by functional studies. The variant allele was found at a frequency of 0.0031 in 251098 control chromosomes, predominantly at a frequency of 0.0052 within the Non-Finnish European subpopulation in the gnomAD database, including 3 homozygotes. The observed variant frequency within Non-Finnish European control individuals in the gnomAD database exceeds the estimated maximal expected allele frequency for disease-causing variants in FGG. To our knowledge, no occurrence of c.78+9G>A in individuals affected with FGG-related conditions and no experimental evidence demonstrating its impact on protein function have been reported. ClinVar contains an entry for this variant (Variation ID: 789882). Based on the evidence outlined above, the variant was classified as benign.

Labcorp Genetics (formerly Invitae), Labcorp
Classification: Benign. Last evaluated: 2026-02-03. Review status: criteria provided, single submitter. Criteria: Invitae Variant Classification Sherloc (09022015). Collection method: clinical testing. Allele origin: germline.

Mayo Clinic Laboratories, Mayo Clinic
Classification: Benign. Last evaluated: 2023-08-07. Review status: criteria provided, single submitter. Criteria: ACMG Guidelines, 2015. Collection method: clinical testing. Allele origin: germline. Observed: 5 variant alleles.
Comment: BS1, BP4, BP7

Illumina Laboratory Services, Illumina
Classification: Likely benign for Congenital afibrinogenemia. Last evaluated: 2018-01-13. Review status: criteria provided, single submitter. Criteria: ICSL Variant Classification Criteria 13 December 2019. Collection method: clinical testing. Allele origin: germline.
Comment: This variant was observed in the ICSL laboratory as part of a predisposition screen in an ostensibly healthy population. It had not been previously curated by ICSL or reported in the Human Gene Mutation Database (HGMD: prior to June 1st, 2018), and was therefore a candidate for classification through an automated scoring system. Utilizing variant allele frequency, disease prevalence and penetrance estimates, and inheritance mode, an automated score was calculated to assess if this variant is too frequent to cause the disease. Based on the score and internal cut-off values, a variant classified as likely benign is not then subjected to further curation. The score for this variant resulted in a classification of likely benign for this disease.

Breakthrough Genomics
Classification: Likely benign. Review status: criteria provided, single submitter. Criteria: ACMG Guidelines, 2015. Collection method: not provided. Allele origin: germline. Inheritance: Autosomal recessive inheritance. Affected: yes.

NM_021870.3(FGG):c.78+9G>A

Gene: FGG (fibrinogen gamma chain; minus strand). Cytogenetic location: 4q32.1.
Variant type: single nucleotide variant.
Coding change: c.78+9G>A on transcript NM_021870.3 (MANE Select); 9 bases into the intron after coding-DNA position 78, G replaced by A.
Molecular consequence: intron variant.
Genome position (GRCh38, 1-based): chr4:154,612,523, C>T on the plus strand (G>A on the coding strand, the complement: FGG is on the minus strand). VCF-style: chr4-154612523-C-T. GRCh37 (hg19) VCF-style: chr4-155533675-C-T.
Other names: p.?; c.78+9G>A (NM_000509.6).
Identifiers: ClinVar variation 789882 (VCV000789882.15), dbSNP rs2066857, ClinGen allele CA3115763.